The following is an entry in ClinVar:

ClinVar aggregate classification (germline): Uncertain significance. Review status: criteria provided, multiple submitters, no conflicts (2 of 4 stars). 2 submissions from 2 submitters: Uncertain significance (2). Last evaluated 2025-09-01.

Conditions:
KMT2D-related disorder. Also called: KMT2D-Related Disorders.
Kabuki syndrome. Also called: Kabuki make-up syndrome; NIIKAWA-KUROKI SYNDROME. Identifiers: Orphanet 2322, MedGen C0796004, MONDO:0016512.

Allele frequency attached by ClinVar (database versions not stated): TOPMed below 0.00001; ExAC 0.00001; gnomAD 0.00001; gnomAD exomes 0.00001.
gnomAD v4.1: 6 of 1,613,902 alleles (0.00037%); highest among the groups gnomAD compares: African/African-American, 0.0027%; no homozygotes.

Submissions (2):

Labcorp Genetics (formerly Invitae), Labcorp
Classification: Uncertain significance for Kabuki syndrome. Last evaluated: 2025-09-01. Review status: criteria provided, single submitter. Criteria: Invitae Variant Classification Sherloc (09022015). Collection method: clinical testing. Allele origin: germline.
Comment: This sequence change replaces arginine, which is basic and polar, with tryptophan, which is neutral and slightly polar, at codon 1611 of the KMT2D protein (p.Arg1611Trp). This variant is present in population databases (rs780961989, gnomAD 0.0009%). This variant has not been reported in the literature in individuals affected with KMT2D-related conditions. ClinVar contains an entry for this variant (Variation ID: 1989836). Invitae Evidence Modeling of protein sequence and biophysical properties (such as structural, functional, and spatial information, amino acid conservation, physicochemical variation, residue mobility, and thermodynamic stability) has been performed for this missense variant. However, the output from this modeling did not meet the statistical confidence thresholds required to predict the impact of this variant on KMT2D protein function. In summary, the available evidence is currently insufficient to determine the role of this variant in disease. Therefore, it has been classified as a Variant of Uncertain Significance.

PreventionGenetics, part of Exact Sciences
Classification: Uncertain significance for KMT2D-related condition. Last evaluated: 2022-09-28. Review status: criteria provided, single submitter. Criteria: ACMG Guidelines, 2015. Collection method: clinical testing. Allele origin: germline.
Comment: The KMT2D c.4831C>T variant is predicted to result in the amino acid substitution p.Arg1611Trp. To our knowledge, this variant has not been reported in the literature. This variant is reported in 0.00088% of alleles in individuals of European (Non-Finnish) descent in gnomAD. At this time, the clinical significance of this variant is uncertain due to the absence of conclusive functional and genetic evidence.

NM_003482.4(KMT2D):c.4831C>T (p.Arg1611Trp)

Gene: KMT2D (lysine methyltransferase 2D; minus strand). Cytogenetic location: 12q13.12.
Variant type: single nucleotide variant.
Coding change: c.4831C>T on transcript NM_003482.4 (MANE Select); coding-DNA position 4831, C replaced by T.
Protein change: p.Arg1611Trp; replaces arginine 1611 with tryptophan.
Molecular consequence: missense variant.
Genome position (GRCh38, 1-based): chr12:49,044,876, G>A on the plus strand (C>T on the coding strand, the complement: KMT2D is on the minus strand). VCF-style: chr12-49044876-G-A. GRCh37 (hg19) VCF-style: chr12-49438659-G-A.
Other names: short protein forms R1611W.
Identifiers: ClinVar variation 1989836 (VCV001989836.5), dbSNP rs780961989, ClinGen allele CA6547704.